The following is an entry in ClinVar:

ClinVar aggregate classification (germline): Benign. Review status: criteria provided, multiple submitters, no conflicts (2 of 4 stars). 3 submissions from 3 submitters: Benign (3). Last evaluated 2024-01-24.

Allele frequency attached by ClinVar (database versions not stated): gnomAD exomes 0.44070; gnomAD 0.45897 and 0.45975; TOPMed 0.48069; 1000 Genomes Project 0.48922; 1000 Genomes Project 30x 0.49485.

Submissions (3):

Unidad de Genómica Garrahan, Hospital de Pediatría Garrahan
Classification: Benign. Last evaluated: 2024-01-24. Review status: criteria provided, single submitter. Criteria: ACMG Guidelines, 2015. Collection method: clinical testing. Allele origin: germline. Affected: no. Observed: 52 variant alleles.
Comment: This variant is classified as Benign based on local population frequency. This variant was detected in 55% of patients studied by a panel of primary immunodeficiencies. Number of patients: 52. Only high quality variants are reported.

GeneDx
Classification: Benign. Last evaluated: 2018-07-09. Review status: criteria provided, single submitter. Criteria: GeneDx Variant Classification Process June 2021. Collection method: clinical testing. Allele origin: germline. Affected: yes.

Breakthrough Genomics
Classification: Benign. Review status: criteria provided, single submitter. Criteria: ACMG Guidelines, 2015. Collection method: not provided. Allele origin: germline. Inheritance: Autosomal recessive inheritance. Affected: yes.

NM_058004.4(PI4KA):c.2277+94A>G

Gene: PI4KA (phosphatidylinositol 4-kinase alpha; minus strand). Cytogenetic location: 22q11.21.
Variant type: single nucleotide variant.
Coding change: c.2277+94A>G on transcript NM_058004.4 (MANE Select); 94 bases into the intron after coding-DNA position 2277, A replaced by G.
Molecular consequence: intron variant.
Genome position (GRCh38, 1-based): chr22:20,796,052, T>C on the plus strand (A>G on the coding strand, the complement: PI4KA is on the minus strand). VCF-style: chr22-20796052-T-C. GRCh37 (hg19) VCF-style: chr22-21150340-T-C.
Other names: c.2211+94A>G (NM_001362863.2); c.2277+94A>G (NM_001362862.2).
Identifiers: ClinVar variation 1239325 (VCV001239325.6), dbSNP rs165924, ClinGen allele CA15993974.